The following is an entry in ClinVar:

NM_000439.5(PCSK1):c.1256C>T (p.Pro419Leu)

Genes: CAST (calpastatin; plus strand), PCSK1 (proprotein convertase subtilisin/kexin type 1; minus strand), LOC101929710 (uncharacterized LOC101929710; plus strand). Cytogenetic location: 5q15.
Variant type: single nucleotide variant.
Coding change: c.1256C>T on transcript NM_000439.5 (MANE Select); coding-DNA position 1256, C replaced by T.
Protein change: p.Pro419Leu; replaces proline 419 with leucine.
Molecular consequence: missense variant. On other transcripts: intron variant (11).
Genome position (GRCh38, 1-based): chr5:96,400,127, G>A on the plus strand (C>T on the coding strand, the complement: PCSK1 is on the minus strand). VCF-style: chr5-96400127-G-A. GRCh37 (hg19) VCF-style: chr5-95735831-G-A.
Other names: c.1115C>T, p.Pro372Leu (NM_001177875.2); c.-175+20475G>A (NM_001423254.1, NM_001423259.1, NM_001423255.1 and 6 more transcripts); c.-103+20475G>A (NM_001423253.1); c.-40+20475G>A (NM_001423258.1); short protein forms P372L, P419L.
Identifiers: ClinVar variation 4992777 (VCV004992777.1).

ClinVar aggregate classification (germline): Uncertain significance (1 of 4 stars; one submission).

Conditions:
PCSK1-related disorder. Also called: PCSK1-related condition.

gnomAD v4.1: 4 of 1,613,994 alleles (0.00025%); highest among the groups gnomAD compares: Middle Eastern, 0.016%; no homozygotes.

Submission:

PreventionGenetics, part of Exact Sciences
Classification: Uncertain significance for PCSK1-related condition. Last evaluated: 2025-09-03. Review status: criteria provided, single submitter. Criteria: ACMG Guidelines, 2015. Collection method: clinical testing. Allele origin: germline.
Comment: The PCSK1 c.1256C>T variant is predicted to result in the amino acid substitution p.Pro419Leu. This variant was observed in a cohort of individuals with obesity, and in vitro functional studies showed this variant did not reduce protein function and could cause increased function (Supplemental Data Set 3, Shah et al. 2023. PubMed ID: 36864747). This variant is reported in 0.0029% of alleles in individuals of Latino descent in gnomAD. At this time, the clinical significance of this variant is uncertain due to the absence of conclusive functional and genetic evidence.